The following is an entry in ClinVar:

ClinVar aggregate classification (germline): Likely benign (1 of 4 stars; one submission).

gnomAD v4.1: 114 of 1,613,610 alleles (0.0071%); highest among the groups gnomAD compares: East Asian, 0.2%; no homozygotes.

Submission:

CeGaT Center for Human Genetics Tuebingen
Classification: Likely benign. Last evaluated: 2026-04-01. Review status: criteria provided, single submitter. Criteria: CeGaT Center For Human Genetics Tuebingen Variant Classification Criteria Version 2. Collection method: clinical testing. Allele origin: germline. Affected: yes. Observed: 1 variant allele.
Comment: MUC5B: BP4

NM_002458.3(MUC5B):c.5729C>T (p.Pro1910Leu)

Genes: MUC5B (mucin 5B, oligomeric mucus/gel-forming; plus strand), MUC5B-AS1 (MUC5B antisense RNA 1; minus strand). Cytogenetic location: 11p15.5.
Variant type: single nucleotide variant.
Coding change: c.5729C>T on transcript NM_002458.3 (MANE Select); coding-DNA position 5729, C replaced by T.
Protein change: p.Pro1910Leu; replaces proline 1910 with leucine.
Molecular consequence: missense variant. On other transcripts: non-coding transcript variant (1).
Genome position (GRCh38, 1-based): chr11:1,242,609, C>T. VCF-style: chr11-1242609-C-T. GRCh37 (hg19) VCF-style: chr11-1263839-C-T.
Other names: short protein forms P1910L.
Identifiers: ClinVar variation 4872931 (VCV004872931.2).